The following is an entry in ClinVar:

NM_018051.5(DYNC2I1):c.2073A>G (p.Lys691=)

Gene: DYNC2I1 (dynein 2 intermediate chain 1; plus strand). Cytogenetic location: 7q36.3.
Variant type: single nucleotide variant.
Coding change: c.2073A>G on transcript NM_018051.5 (MANE Select); coding-DNA position 2073, A replaced by G.
Protein change: p.Lys691=; no amino-acid change (lysine 691 retained).
Molecular consequence: synonymous variant.
Genome position (GRCh38, 1-based): chr7:158,922,528, A>G. VCF-style: chr7-158922528-A-G. GRCh37 (hg19) VCF-style: chr7-158715219-A-G.
Other names: c.1935A>G, p.Lys645= (NM_001350914.2); c.1500A>G, p.Lys500= (NM_001350915.2); c.612A>G, p.Lys204= (NM_001350916.2); c.825A>G, p.Lys275= (NM_001350917.2, NM_001350918.2).
Identifiers: ClinVar variation 516205 (VCV000516205.13), dbSNP rs2730238, ClinGen allele CA4594852.

ClinVar aggregate classification (germline): Benign. Review status: criteria provided, multiple submitters, no conflicts (2 of 4 stars). 5 submissions from 5 submitters: Benign (5). Last evaluated 2026-02-04.

Conditions:
Short-rib thoracic dysplasia 8 with or without polydactyly (SRTD8). Also called: SHORT-RIB THORACIC DYSPLASIA 8 WITH POLYDACTYLY. Identifiers: Orphanet 93271, MedGen C3809691, MONDO:0014214, OMIM 615503.

Allele frequency attached by ClinVar (database versions not stated): gnomAD exomes 0.82548 and 0.84429; ExAC 0.84191; ESP Exome Variant Server 0.84922; gnomAD 0.85201 and 0.85247; TOPMed 0.86140; 1000 Genomes Project 30x 0.88382; 1000 Genomes Project 0.88618.
gnomAD v4.1: 1,336,763 of 1,613,354 alleles (83%); highest among the groups gnomAD compares: East Asian, 94%; 554,968 homozygotes.

Submissions (5):

Labcorp Genetics (formerly Invitae), Labcorp
Classification: Benign for Short-rib thoracic dysplasia 8 with or without polydactyly. Last evaluated: 2026-02-04. Review status: criteria provided, single submitter. Criteria: Invitae Variant Classification Sherloc (09022015). Collection method: clinical testing. Allele origin: germline.

Blueprint Genetics
Classification: Benign. Last evaluated: 2024-11-27. Review status: criteria provided, single submitter. Criteria: ACMG Guidelines, 2015. Collection method: clinical testing. Allele origin: germline.

Genome-Nilou Lab
Classification: Benign for Short-rib thoracic dysplasia 8 with or without polydactyly. Last evaluated: 2021-12-05. Review status: criteria provided, single submitter. Criteria: ACMG Guidelines, 2015. Collection method: clinical testing. Allele origin: germline. Affected: no.

GeneDx
Classification: Benign. Last evaluated: 2017-09-13. Review status: criteria provided, single submitter. Criteria: GeneDx Variant Classification (06012015). Collection method: clinical testing. Allele origin: germline. Affected: yes.
Comment: This variant is considered likely benign or benign based on one or more of the following criteria: it is a conservative change, it occurs at a poorly conserved position in the protein, it is predicted to be benign by multiple in silico algorithms, and/or has population frequency not consistent with disease.

Breakthrough Genomics
Classification: Benign. Review status: criteria provided, single submitter. Criteria: ACMG Guidelines, 2015. Collection method: not provided. Allele origin: germline. Inheritance: Autosomal recessive inheritance. Affected: yes.